The following is an entry in ClinVar:

ClinVar aggregate classification (germline): Conflicting classifications of pathogenicity. Review status: criteria provided, conflicting classifications (1 of 4 stars). 2 submissions from 2 submitters: Uncertain significance (1); Likely benign (1). Last evaluated 2025-10-07.

Conditions:
Inborn genetic diseases. Identifiers: MedGen C0950123, MeSH D030342.

Allele frequency attached by ClinVar (database versions not stated): ExAC 0.00003; gnomAD exomes 0.00003; TOPMed 0.00003.
gnomAD v4.1: 8 of 1,612,444 alleles (0.0005%); highest among the groups gnomAD compares: Admixed American, 0.012%; no homozygotes.

Submissions (2):

Ambry Genetics
Classification: Likely benign for Inborn genetic diseases. Last evaluated: 2025-10-07. Review status: criteria provided, single submitter. Criteria: Ambry Variant Classification Scheme 2023. Collection method: clinical testing. Allele origin: germline.

Labcorp Genetics (formerly Invitae), Labcorp
Classification: Uncertain significance. Last evaluated: 2022-02-25. Review status: criteria provided, single submitter. Criteria: Invitae Variant Classification Sherloc (09022015). Collection method: clinical testing. Allele origin: germline.
Comment: Algorithms developed to predict the effect of missense changes on protein structure and function output the following: SIFT: "Tolerated"; PolyPhen-2: "Benign"; Align-GVGD: "Class C0". The histidine amino acid residue is found in multiple mammalian species, which suggests that this missense change does not adversely affect protein function. In summary, the available evidence is currently insufficient to determine the role of this variant in disease. Therefore, it has been classified as a Variant of Uncertain Significance. This variant has not been reported in the literature in individuals affected with MPDZ-related conditions. This sequence change replaces arginine, which is basic and polar, with histidine, which is basic and polar, at codon 341 of the MPDZ protein (p.Arg341His). This variant is present in population databases (rs779501527, gnomAD 0.02%).

NM_001378778.1(MPDZ):c.1022G>A (p.Arg341His)

Gene: MPDZ (multiple PDZ domain crumbs cell polarity complex component; minus strand). Cytogenetic location: 9p23.
Variant type: single nucleotide variant.
Coding change: c.1022G>A on transcript NM_001378778.1 (MANE Select); coding-DNA position 1022, G replaced by A.
Protein change: p.Arg341His; replaces arginine 341 with histidine.
Molecular consequence: missense variant.
Genome position (GRCh38, 1-based): chr9:13,219,623, C>T on the plus strand (G>A on the coding strand, the complement: MPDZ is on the minus strand). VCF-style: chr9-13219623-C-T. GRCh37 (hg19) VCF-style: chr9-13219622-C-T.
Other names: c.1022G>A, p.Arg341His (NM_001261406.2, NM_001261407.2, NM_001330637.2 and 14 more transcripts); c.1022G>A (NM_003829.3); short protein forms R341H.
Identifiers: ClinVar variation 1397818 (VCV001397818.8), dbSNP rs779501527, ClinGen allele CA4987938.
Genomic context (GRCh38, chr9:13,219,623, plus strand): 5'-AACTCTGGTGTTGAAGTTGGGGATGAGGAGAGGGTGATGCCCAAAGCAGTGGGTGCTGTA[C>T]GTTCTTCTATGGCACCTCTTGCAATCATCAACTTAACTCTATTTCCACATTGCCTAAGGA-3'
Protein context (NP_001365707.1, residues 331-351): LMIARGAIEE[Arg341His]TAPTALGITL